The following is an entry in ClinVar:

NM_201596.3(CACNB2):c.121-18_121-3dup

Gene: CACNB2 (calcium voltage-gated channel auxiliary subunit beta 2; plus strand). Cytogenetic location: 10p12.33.
Variant type: Duplication.
Coding change: c.121-18_121-3dup on transcript NM_201596.3 (MANE Select); 18 bases into the intron before coding-DNA position 121 through 3 bases into the intron before coding-DNA position 121, 16 bases duplicated (TTTTTTTTTTTTTTTT).
Molecular consequence: intron variant.
Genome position (GRCh38, 1-based): chr10:18,150,865-18,150,880, TTTTTTTTTTTTTTTT duplicated; duplicating any 16 consecutive bases within chr10:18,150,856-18,150,880 gives the same sequence; the c. name uses the placement nearest the transcript's 3' end. VCF-style (leftmost placement, unchanged base first): chr10-18150855-C-CTTTTTTTTTTTTTTTT. GRCh37 (hg19) VCF-style: chr10-18439784-C-CTTTTTTTTTTTTTTTT.
Other names: c.37-18_37-3dup (NM_201571.4, NM_001167945.2, NM_201572.4); c.121-18_121-3dup (NM_201593.3, NM_201597.3).
Identifiers: ClinVar variation 3037771 (VCV003037771.2), dbSNP rs71402148, ClinGen allele CA925458516.

ClinVar aggregate classification (germline): Likely benign (0 of 4 stars; one submission).

Conditions:
CACNB2-related disorder. Also called: CACNB2-related condition.

Submission:

PreventionGenetics, part of Exact Sciences
Classification: Likely benign for CACNB2-related condition. Last evaluated: 2020-05-11. Review status: no assertion criteria provided. Collection method: clinical testing. Allele origin: germline.
Comment: This variant is classified as likely benign based on ACMG/AMP sequence variant interpretation guidelines (Richards et al. 2015 PMID: 25741868, with internal and published modifications).